The following is an entry in ClinVar:

NM_018474.6(KIZ):c.1119dup (p.Thr374fs)

Gene: KIZ (kizuna centrosomal protein; plus strand). Cytogenetic location: 20p11.23.
Variant type: Duplication.
Coding change: c.1119dup on transcript NM_018474.6 (MANE Select); coding-DNA position 1119, one base duplicated (C; older notation c.1119dupC).
Protein change: p.Thr374fs; shifts the reading frame from threonine 374.
Molecular consequence: frameshift variant.
Genome position (GRCh38, 1-based): chr20:21,162,926, C duplicated. VCF-style (leftmost placement, unchanged base first): chr20-21162925-G-GC. GRCh37 (hg19) VCF-style: chr20-21143566-G-GC.
Other names: c.810dup, p.Thr271fs (NM_001163022.3, NM_001352435.2); c.720dup, p.Thr241fs (NM_001163023.3); c.972dup, p.Thr325fs (NM_001276389.2); c.1119dup, p.Thr374fs (NM_001352434.2); c.777dup, p.Thr260fs (NM_001352436.2); short protein forms T241fs, T325fs, T374fs, T260fs, T271fs.
Identifiers: ClinVar variation 3723666 (VCV003723666.2).
Genomic context (GRCh38, chr20:21,162,925, plus strand): 5'-GGGAACCAAAGTCACAAAAGCCCTTCAGAAAAATGCAGGAAGAGGAGGAGGAAAGTTGGA[G>GC]CACCAGCAGTGACCTTACCATTTCAATAAGTGAAGATGATCTGATTTTAGAGAGCCCAGA-3'

ClinVar aggregate classification (germline): Pathogenic (1 of 4 stars; one submission).

Submission:

Labcorp Genetics (formerly Invitae), Labcorp
Classification: Pathogenic. Last evaluated: 2024-10-24. Review status: criteria provided, single submitter. Criteria: Invitae Variant Classification Sherloc (09022015). Collection method: clinical testing. Allele origin: germline.
Comment: This sequence change creates a premature translational stop signal (p.Thr374Hisfs*4) in the KIZ gene. It is expected to result in an absent or disrupted protein product. Loss-of-function variants in KIZ are known to be pathogenic (PMID: 24680887, 29057815). This variant is not present in population databases (gnomAD no frequency). This variant has not been reported in the literature in individuals affected with KIZ-related conditions. For these reasons, this variant has been classified as Pathogenic.

Literature cited by the submitters: PubMed 24680887; PubMed 29057815.